The following is an entry in ClinVar:

ClinVar aggregate classification (germline): Conflicting classifications of pathogenicity. Review status: criteria provided, conflicting classifications (1 of 4 stars). 10 submissions from 10 submitters: Uncertain significance (7); Likely benign (1). 2 of the submissions do not count toward it. Last evaluated 2025-11-17.

Conditions:
Fanconi anemia complementation group J. Also called: BRIP1-Related Fanconi Anemia. Identifiers: Orphanet 84, MedGen C1836860, MONDO:0012187, OMIM 609054.
Ovarian cancer. Also called: OVARIAN CANCER, SOMATIC. Identifiers: Orphanet 213500, MedGen C1140680, MONDO:0008170, OMIM 167000.
BRIP1-related disorder. Also called: BRIP1-related condition; BRIP1-related disorders. Identifiers: MedGen CN239206.
Inherited ovarian cancer (without breast cancer).
Hereditary cancer-predisposing syndrome. Also called: Tumor predisposition; Hereditary Cancer Syndrome; Neoplastic Syndromes, Hereditary; Hereditary neoplastic syndrome. Identifiers: Orphanet 140162, MedGen C0027672, MeSH D009386, MONDO:0015356.
Familial cancer of breast. Also called: BREAST CANCER, FAMILIAL; Hereditary breast cancer; hereditary breast carcinoma. Identifiers: Orphanet 227535, MedGen C0346153, MONDO:0016419, OMIM 114480. Disease mechanism: loss of function.

Allele frequency attached by ClinVar (database versions not stated): ExAC 0.00001; gnomAD 0.00001; gnomAD exomes 0.00001; TOPMed 0.00002; 1000 Genomes Project 0.00020; 1000 Genomes Project 30x 0.00031.
gnomAD v4.1: 16 of 1,614,176 alleles (0.00099%); highest among the groups gnomAD compares: East Asian, 0.0022%; no homozygotes.

Submissions (10):

Labcorp Genetics (formerly Invitae), Labcorp
Classification: Uncertain significance for Familial cancer of breast; Fanconi anemia complementation group J. Last evaluated: 2025-11-17. Review status: criteria provided, single submitter. Criteria: Invitae Variant Classification Sherloc (09022015). Collection method: clinical testing. Allele origin: germline.
Comment: This sequence change replaces isoleucine, which is neutral and non-polar, with threonine, which is neutral and polar, at codon 1079 of the BRIP1 protein (p.Ile1079Thr). This variant is present in population databases (rs150813402, gnomAD 0.007%). This missense change has been observed in individual(s) with breast cancer (PMID: 26921362). ClinVar contains an entry for this variant (Variation ID: 128185). Invitae Evidence Modeling of protein sequence and biophysical properties (such as structural, functional, and spatial information, amino acid conservation, physicochemical variation, residue mobility, and thermodynamic stability) indicates that this missense variant is not expected to disrupt BRIP1 protein function with a negative predictive value of 95%. In summary, the available evidence is currently insufficient to determine the role of this variant in disease. Therefore, it has been classified as a Variant of Uncertain Significance.

GeneDx
Classification: Uncertain significance. Last evaluated: 2025-06-12. Review status: criteria provided, single submitter. Criteria: GeneDx Variant Classification Process June 2021. Collection method: clinical testing. Allele origin: germline. Affected: yes.
Comment: Not observed at significant frequency in large population cohorts (gnomAD); In silico analysis indicates that this missense variant does not alter protein structure/function; This variant is associated with the following publications: (PMID: 33471991, 26921362)

Genomics and Molecular Medicine Service, East Genomic Laboratory Hub, NHS Genomic Medicine Service
Classification: Uncertain significance for Inherited ovarian cancer (without breast cancer). Last evaluated: 2024-11-13. Review status: criteria provided, single submitter. Criteria: ACGS Best Practice Guidelines for Variant Classification in Rare Disease 2020. Collection method: clinical testing. Allele origin: germline. Affected: yes.
Comment: PM2_Supporting,BP4

Color Diagnostics, LLC DBA Color Health
Classification: Uncertain significance for Hereditary cancer-predisposing syndrome. Last evaluated: 2024-08-28. Review status: criteria provided, single submitter. Criteria: ACMG Guidelines, 2015. Collection method: clinical testing. Allele origin: germline.
Comment: This missense variant replaces isoleucine with threonine at codon 1079 of the BRIP1 protein. Computational prediction suggests that this variant may not impact protein structure and function. To our knowledge, functional studies have not been reported for this variant. This variant has been reported in an individual affected with breast cancer (PMID: 26921362). This variant has been identified in 2/251272 chromosomes in the general population by the Genome Aggregation Database (gnomAD). The available evidence is insufficient to determine the role of this variant in disease conclusively. Therefore, this variant is classified as a Variant of Uncertain Significance.

Women's Health and Genetics/Laboratory Corporation of America, LabCorp
Classification: Uncertain significance. Last evaluated: 2024-05-02. Review status: criteria provided, single submitter. Criteria: LabCorp Variant Classification Summary - May 2015. Collection method: clinical testing. Allele origin: germline.
Comment: Variant summary: BRIP1 c.3236T>C (p.Ile1079Thr) results in a non-conservative amino acid change in the encoded protein sequence. Four of five in-silico tools predict a benign effect of the variant on protein function. The variant allele was found at a frequency of 7.6e-06 in 261756 control chromosomes. The available data on variant occurrences in the general population are insufficient to allow any conclusion about variant significance. c.3236T>C has been reported in the literature in individuals affected with Hereditary Breast And Ovarian Cancer Syndrome (Easton_2016). These report(s) do not provide unequivocal conclusions about association of the variant with Hereditary Breast And Ovarian Cancer Syndrome. To our knowledge, no experimental evidence demonstrating an impact on protein function has been reported. ClinVar contains an entry for this variant (Variation ID: 128185). Based on the evidence outlined above, the variant was classified as uncertain significance.

Quest Diagnostics Nichols Institute San Juan Capistrano
Classification: Uncertain significance. Last evaluated: 2023-12-05. Review status: criteria provided, single submitter. Criteria: Quest Diagnostics criteria. Collection method: clinical testing. Allele origin: unknown.
Comment: The BRIP1 c.3236T>C (p.Ile1079Thr) variant has been reported in individuals with breast cancer (PMID: 26921362 (2016), 33471991 (2021), see also LOVD). This variant has also been reported in unaffected individuals (PMID: 33471991 (2021), see also LOVD). The frequency of this variant in the general population, 0.000008 (2/251272 chromosomes (Genome Aggregation Database)), is uninformative in the assessment of its pathogenicity. Analysis of this variant using bioinformatics tools for the prediction of the effect of amino acid changes on protein structure and function yielded predictions that this variant is benign. Based

Ambry Genetics
Classification: Likely benign for Hereditary cancer-predisposing syndrome. Last evaluated: 2023-11-03. Review status: criteria provided, single submitter. Criteria: Ambry Variant Classification Scheme 2023. Collection method: clinical testing. Allele origin: germline.

Myriad Genetics, Inc.
Classification: Uncertain significance for Familial cancer of breast. Last evaluated: 2023-03-02. Review status: criteria provided, single submitter. Criteria: Myriad Autosomal Dominant, Autosomal Recessive and X-Linked Classification Criteria (2023). Collection method: clinical testing. Allele origin: unknown.
Comment: This variant is classified as a variant of uncertain significance as there is insufficient evidence to determine its impact on protein function and/or cancer risk.

PreventionGenetics, part of Exact Sciences
Classification: Uncertain significance for BRIP1-related condition. Last evaluated: 2024-09-24. Review status: no assertion criteria provided. Collection method: clinical testing. Allele origin: germline. Not counted in ClinVar's aggregate classification.
Comment: The BRIP1 c.3236T>C variant is predicted to result in the amino acid substitution p.Ile1079Thr. This variant has been reported in an individual with breast cancer (Easton et al. 2016. PubMed ID: 26921362). This variant is reported in 0.0062% of alleles in individuals of African descent in gnomAD and is interpreted as uncertain by most labs in ClinVar. At this time, the clinical significance of this variant is uncertain due to the absence of conclusive functional and genetic evidence.

Counsyl
Classification: Uncertain significance for Fanconi anemia complementation group J; Ovarian cancer. Last evaluated: 2018-04-02. Review status: no assertion criteria provided. Collection method: clinical testing. Allele origin: unknown. Not counted in ClinVar's aggregate classification.

Literature cited by the submitters: PubMed 26921362 (cited by 5 submitters); PubMed 33471991 (cited by Quest Diagnostics Nichols Institute San Juan Capistrano).

NM_032043.3(BRIP1):c.3236T>C (p.Ile1079Thr)

Gene: BRIP1 (BRCA1 interacting DNA helicase 1; minus strand). Cytogenetic location: 17q23.2.
Variant type: single nucleotide variant.
Coding change: c.3236T>C on transcript NM_032043.3 (MANE Select); coding-DNA position 3236, T replaced by C.
Protein change: p.Ile1079Thr; replaces isoleucine 1079 with threonine.
Molecular consequence: missense variant.
Genome position (GRCh38, 1-based): chr17:61,683,810, A>G on the plus strand (T>C on the coding strand, the complement: BRIP1 is on the minus strand). VCF-style: chr17-61683810-A-G. GRCh37 (hg19) VCF-style: chr17-59761171-A-G.
Other names: p.I1079T:ATT>ACT; short protein forms I1079T.
Identifiers: ClinVar variation 128185 (VCV000128185.32), dbSNP rs150813402, ClinGen allele CA288585.